The following is an entry in ClinVar:

NM_001243925.2(MAPKAPK3):c.461_462delinsAT (p.Ile154Asn)

Gene: MAPKAPK3 (MAPK activated protein kinase 3; plus strand). Cytogenetic location: 3p21.2.
Variant type: Indel.
Coding change: c.461_462delinsAT on transcript NM_001243925.2 (MANE Select); coding-DNA positions 461 to 462, TC replaced by AT.
Protein change: p.Ile154Asn; replaces isoleucine 154 with asparagine.
Molecular consequence: missense variant.
Genome position (GRCh38, 1-based): chr3:50,642,289-50,642,290, TC replaced by AT. VCF-style: chr3-50642289-TC-AT. GRCh37 (hg19) VCF-style: chr3-50679720-TC-AT.
Other names: c.461_462delinsAT, p.Ile154Asn (NM_001243926.2, NM_004635.5); short protein forms I154N.
Identifiers: ClinVar variation 1392367 (VCV001392367.6), dbSNP rs2107598118, ClinGen allele CA2573137230.

ClinVar aggregate classification (germline): Uncertain significance (1 of 4 stars; one submission).

Submission:

Labcorp Genetics (formerly Invitae), Labcorp
Classification: Uncertain significance. Last evaluated: 2022-08-13. Review status: criteria provided, single submitter. Criteria: Invitae Variant Classification Sherloc (09022015). Collection method: clinical testing. Allele origin: germline.
Comment: In summary, the available evidence is currently insufficient to determine the role of this variant in disease. Therefore, it has been classified as a Variant of Uncertain Significance. Algorithms developed to predict the effect of missense changes on protein structure and function are either unavailable or do not agree on the potential impact of this missense change (SIFT: "Not Available"; PolyPhen-2: "Probably Damaging"; Align-GVGD: "Not Available"). ClinVar contains an entry for this variant (Variation ID: 1392367). This variant has not been reported in the literature in individuals affected with MAPKAPK3-related conditions. Information on the frequency of this variant in the gnomAD database is not available, as this variant may be reported differently in the database. This sequence change replaces isoleucine, which is neutral and non-polar, with asparagine, which is neutral and polar, at codon 154 of the MAPKAPK3 protein (p.Ile154Asn).